The following is an entry in ClinVar:

ClinVar aggregate classification (germline): Uncertain significance (1 of 4 stars; one submission).

Conditions:
Leber congenital amaurosis 6 (LCA6). Identifiers: Orphanet 65, MedGen C1854260, MONDO:0013446, OMIM 613826.
Cone-rod dystrophy 13 (CORD13). Identifiers: Orphanet 1872, MedGen C2750720, MONDO:0011987, OMIM 608194.

Submission:

Labcorp Genetics (formerly Invitae), Labcorp
Classification: Uncertain significance for Leber congenital amaurosis 6; Cone-rod dystrophy 13. Last evaluated: 2022-05-08. Review status: criteria provided, single submitter. Criteria: Invitae Variant Classification Sherloc (09022015). Collection method: clinical testing. Allele origin: germline.
Comment: In summary, the available evidence is currently insufficient to determine the role of this variant in disease. Therefore, it has been classified as a Variant of Uncertain Significance. Algorithms developed to predict the effect of missense changes on protein structure and function are either unavailable or do not agree on the potential impact of this missense change (SIFT: "Deleterious"; PolyPhen-2: "Probably Damaging"; Align-GVGD: "Class C0"). This variant has not been reported in the literature in individuals affected with RPGRIP1-related conditions. This variant is not present in population databases (gnomAD no frequency). This sequence change replaces proline, which is neutral and non-polar, with threonine, which is neutral and polar, at codon 1152 of the RPGRIP1 protein (p.Pro1152Thr).

NM_020366.4(RPGRIP1):c.3454C>A (p.Pro1152Thr)

Gene: RPGRIP1 (RPGR interacting protein 1; plus strand). Cytogenetic location: 14q11.2.
Variant type: single nucleotide variant.
Coding change: c.3454C>A on transcript NM_020366.4 (MANE Select); coding-DNA position 3454, C replaced by A.
Protein change: p.Pro1152Thr; replaces proline 1152 with threonine.
Molecular consequence: missense variant.
Genome position (GRCh38, 1-based): chr14:21,343,150, C>A. VCF-style: chr14-21343150-C-A. GRCh37 (hg19) VCF-style: chr14-21811309-C-A.
Other names: c.1432C>A, p.Pro478Thr (NM_001377523.1, NM_001377950.1); c.2380C>A, p.Pro794Thr (NM_001377948.1); c.1540C>A, p.Pro514Thr (NM_001377949.1); c.937C>A, p.Pro313Thr (NM_001377951.1); short protein forms P478T, P794T, P313T, P514T, P1152T.
Identifiers: ClinVar variation 2135616 (VCV002135616.4), dbSNP rs1388726376, ClinGen allele CA388857151.